The following is an entry in ClinVar:

ClinVar aggregate classification (germline): Uncertain significance. Review status: criteria provided, multiple submitters, no conflicts (2 of 4 stars). 2 submissions from 2 submitters: Uncertain significance (2). Last evaluated 2024-09-11.

Allele frequency attached by ClinVar (database versions not stated): ExAC 0.00008; ESP Exome Variant Server 0.00008; gnomAD 0.00012; gnomAD exomes 0.00012; TOPMed 0.00012.
gnomAD v4.1: 200 of 1,614,026 alleles (0.012%); highest among the groups gnomAD compares: Middle Eastern, 0.099%; no homozygotes.

Submissions (2):

Ambry Genetics
Classification: Uncertain significance. Last evaluated: 2024-09-11. Review status: criteria provided, single submitter. Criteria: Ambry Variant Classification Scheme 2023. Collection method: clinical testing. Allele origin: germline.

Labcorp Genetics (formerly Invitae), Labcorp
Classification: Uncertain significance. Last evaluated: 2023-12-22. Review status: criteria provided, single submitter. Criteria: Invitae Variant Classification Sherloc (09022015). Collection method: clinical testing. Allele origin: germline.
Comment: This sequence change replaces alanine, which is neutral and non-polar, with threonine, which is neutral and polar, at codon 78 of the SLC36A2 protein (p.Ala78Thr). This variant is present in population databases (rs201695026, gnomAD 0.02%). This variant has not been reported in the literature in individuals affected with SLC36A2-related conditions. ClinVar contains an entry for this variant (Variation ID: 2358426). Advanced modeling of protein sequence and biophysical properties (such as structural, functional, and spatial information, amino acid conservation, physicochemical variation, residue mobility, and thermodynamic stability) performed at Invitae indicates that this missense variant is not expected to disrupt SLC36A2 protein function with a negative predictive value of 80%. In summary, the available evidence is currently insufficient to determine the role of this variant in disease. Therefore, it has been classified as a Variant of Uncertain Significance.

NM_181776.3(SLC36A2):c.232G>A (p.Ala78Thr)

Gene: SLC36A2 (solute carrier family 36 member 2; minus strand). Cytogenetic location: 5q33.1.
Variant type: single nucleotide variant.
Coding change: c.232G>A on transcript NM_181776.3 (MANE Select); coding-DNA position 232, G replaced by A.
Protein change: p.Ala78Thr; replaces alanine 78 with threonine.
Molecular consequence: missense variant.
Genome position (GRCh38, 1-based): chr5:151,344,200, C>T on the plus strand (G>A on the coding strand, the complement: SLC36A2 is on the minus strand). VCF-style: chr5-151344200-C-T. GRCh37 (hg19) VCF-style: chr5-150723761-C-T.
Other names: short protein forms A78T.
Identifiers: ClinVar variation 2358426 (VCV002358426.6), dbSNP rs201695026, ClinGen allele CA3518987.